The following is an entry in ClinVar:

NM_000179.3(MSH6):c.2377G>C (p.Asp793His)

Gene: MSH6 (mutS homolog 6; plus strand). Cytogenetic location: 2p16.3.
Variant type: single nucleotide variant.
Coding change: c.2377G>C on transcript NM_000179.3 (MANE Select); coding-DNA position 2377, G replaced by C.
Protein change: p.Asp793His; replaces aspartic acid 793 with histidine.
Molecular consequence: missense variant.
Genome position (GRCh38, 1-based): chr2:47,800,360, G>C. VCF-style: chr2-47800360-G-C. GRCh37 (hg19) VCF-style: chr2-48027499-G-C.
Other names: c.1987G>C, p.Asp663His (NM_001281492.2); c.1471G>C, p.Asp491His (NM_001281493.2, NM_001281494.2); short protein forms D793H, D663H, D491H.
Identifiers: ClinVar variation 455194 (VCV000455194.10), dbSNP rs1553413737, ClinGen allele CA346753721.

ClinVar aggregate classification (germline): Uncertain significance. Review status: criteria provided, multiple submitters, no conflicts (2 of 4 stars). 3 submissions from 3 submitters: Uncertain significance (3). Last evaluated 2023-02-10.

Conditions:
Hereditary nonpolyposis colorectal neoplasms. Identifiers: MedGen C0009405, MeSH D003123.
Hereditary cancer-predisposing syndrome. Also called: Hereditary Cancer Syndrome; Hereditary neoplastic syndrome; Neoplastic Syndromes, Hereditary; Tumor predisposition. Identifiers: Orphanet 140162, MedGen C0027672, MeSH D009386, MONDO:0015356.
Lynch syndrome. Identifiers: Orphanet 144, MedGen C4552100, MONDO:0005835. Disease mechanism: loss of function.

Submissions (3):

All of Us Research Program, National Institutes of Health
Classification: Uncertain significance for Lynch syndrome. Last evaluated: 2023-02-10. Review status: criteria provided, single submitter. Criteria: ACMG Guidelines, 2015. Collection method: clinical testing. Allele origin: germline. Inheritance: Autosomal dominant inheritance. Observed: 1 variant allele, 1 heterozygote.
Comment: This study involves interpretation of variants in research participants for the purpose of population health screening. Participant phenotype was not available at the time of variant classification. Additional details can be found in publication PMID: 35346344, PMCID: PMC8962531

Labcorp Genetics (formerly Invitae), Labcorp
Classification: Uncertain significance for Hereditary nonpolyposis colorectal neoplasms. Last evaluated: 2022-11-16. Review status: criteria provided, single submitter. Criteria: Invitae Variant Classification Sherloc (09022015). Collection method: clinical testing. Allele origin: germline.
Comment: In summary, the available evidence is currently insufficient to determine the role of this variant in disease. Therefore, it has been classified as a Variant of Uncertain Significance. Algorithms developed to predict the effect of missense changes on protein structure and function (SIFT, PolyPhen-2, Align-GVGD) all suggest that this variant is likely to be disruptive. ClinVar contains an entry for this variant (Variation ID: 455194). This variant has not been reported in the literature in individuals affected with MSH6-related conditions. This variant is not present in population databases (gnomAD no frequency). This sequence change replaces aspartic acid, which is acidic and polar, with histidine, which is basic and polar, at codon 793 of the MSH6 protein (p.Asp793His).

Ambry Genetics
Classification: Uncertain significance for Hereditary cancer-predisposing syndrome. Last evaluated: 2022-02-12. Review status: criteria provided, single submitter. Criteria: Ambry Variant Classification Scheme 2023. Collection method: clinical testing. Allele origin: germline.
Comment: The p.D793H variant (also known as c.2377G>C), located in coding exon 4 of the MSH6 gene, results from a G to C substitution at nucleotide position 2377. The aspartic acid at codon 793 is replaced by histidine, an amino acid with similar properties. This amino acid position is conserved. In addition, this alteration is predicted to be deleterious by in silico analysis. Since supporting evidence is limited at this time, the clinical significance of this alteration remains unclear.